The following is an entry in ClinVar:

ClinVar aggregate classification (germline): Uncertain significance (1 of 4 stars; one submission).

Allele frequency attached by ClinVar (database versions not stated): ExAC 0.00003.
gnomAD v4.1: 7 of 1,614,230 alleles (0.00043%); highest among the groups gnomAD compares: Admixed American, 0.012%; no homozygotes.

Submission:

Labcorp Genetics (formerly Invitae), Labcorp
Classification: Uncertain significance. Last evaluated: 2022-08-02. Review status: criteria provided, single submitter. Criteria: Invitae Variant Classification Sherloc (09022015). Collection method: clinical testing. Allele origin: germline.
Comment: This sequence change replaces serine, which is neutral and polar, with tyrosine, which is neutral and polar, at codon 502 of the SLC1A4 protein (p.Ser502Tyr). This variant is present in population databases (rs773004760, gnomAD 0.02%). This variant has not been reported in the literature in individuals affected with SLC1A4-related conditions. Algorithms developed to predict the effect of missense changes on protein structure and function are either unavailable or do not agree on the potential impact of this missense change (SIFT: "Deleterious"; PolyPhen-2: "Possibly Damaging"; Align-GVGD: "Class C15"). In summary, the available evidence is currently insufficient to determine the role of this variant in disease. Therefore, it has been classified as a Variant of Uncertain Significance.

NM_003038.5(SLC1A4):c.1505C>A (p.Ser502Tyr)

Gene: SLC1A4 (solute carrier family 1 member 4; plus strand). Cytogenetic location: 2p14.
Variant type: single nucleotide variant.
Coding change: c.1505C>A on transcript NM_003038.5 (MANE Select); coding-DNA position 1505, C replaced by A.
Protein change: p.Ser502Tyr; replaces serine 502 with tyrosine.
Molecular consequence: missense variant.
Genome position (GRCh38, 1-based): chr2:65,021,052, C>A. VCF-style: chr2-65021052-C-A. GRCh37 (hg19) VCF-style: chr2-65248186-C-A.
Other names: c.611C>A, p.Ser204Tyr (NM_001193493.2); c.845C>A, p.Ser282Tyr (NM_001348406.2, NM_001348407.2); short protein forms S204Y, S282Y, S502Y.
Identifiers: ClinVar variation 1937623 (VCV001937623.2), dbSNP rs773004760, ClinGen allele CA1686191.